The following is an entry in ClinVar:

NM_004493.3(HSD17B10):c.380A>G (p.Asn127Ser)

Gene: HSD17B10 (hydroxysteroid 17-beta dehydrogenase 10; minus strand). Cytogenetic location: Xp11.22.
Variant type: single nucleotide variant.
Coding change: c.380A>G on transcript NM_004493.3 (MANE Select); coding-DNA position 380, A replaced by G.
Protein change: p.Asn127Ser; replaces asparagine 127 with serine.
Molecular consequence: missense variant.
Genome position (GRCh38, 1-based): chrX:53,432,094, T>C on the plus strand (A>G on the coding strand, the complement: HSD17B10 is on the minus strand). VCF-style: chrX-53432094-T-C. GRCh37 (hg19) VCF-style: chrX-53459042-T-C.
Other names: c.380A>G, p.Asn127Ser (NM_001037811.2); short protein forms N127S.
Identifiers: ClinVar variation 2636224 (VCV002636224.1), dbSNP rs2521096456, ClinGen allele CA413152393.

ClinVar aggregate classification (germline): Likely pathogenic (1 of 4 stars; one submission).

Conditions:
HSD17B10-related disorder. Also called: HSD17B10-related condition.

Submission:

PreventionGenetics, part of Exact Sciences
Classification: Likely pathogenic for HSD17B10-related condition. Last evaluated: 2022-08-22. Review status: criteria provided, single submitter. Criteria: ACMG Guidelines, 2015. Collection method: clinical testing. Allele origin: germline.
Comment: The HSD17B10 c.380A>G variant is predicted to result in the amino acid substitution p.Asn127Ser. To our knowledge, this variant has not been reported in the literature or in a large population database, indicating this variant is rare. An alternate variant at the same amino acid position has been reported as a de novo finding in an affected individual in the literature (Turner et al. 2019. PubMed ID: 31785789; Martin et al. 2021. PubMed ID: 33504798). This variant is interpreted as likely pathogenic.